The following is an entry in ClinVar:

NM_000020.3(ACVRL1):c.1069C>T (p.Gln357Ter)

Gene: ACVRL1 (activin A receptor like type 1; plus strand). Cytogenetic location: 12q13.13.
Variant type: single nucleotide variant.
Coding change: c.1069C>T on transcript NM_000020.3 (MANE Select); coding-DNA position 1069, C replaced by T.
Protein change: p.Gln357Ter; replaces glutamine 357 with a stop codon.
Molecular consequence: nonsense.
Genome position (GRCh38, 1-based): chr12:51,916,056, C>T. VCF-style: chr12-51916056-C-T. GRCh37 (hg19) VCF-style: chr12-52309840-C-T.
Other names: c.1069C>T, p.Gln357Ter (NM_001077401.2); short protein forms Q357*.
Identifiers: ClinVar variation 1074703 (VCV001074703.30), dbSNP rs2139075900, ClinGen allele CA384902081.

ClinVar aggregate classification (germline): Pathogenic. Review status: criteria provided, multiple submitters, no conflicts (2 of 4 stars). 5 submissions from 5 submitters: Pathogenic (3). 2 of the submissions do not count toward it. Last evaluated 2025-04-09.

Conditions:
Telangiectasia, hereditary hemorrhagic, type 2 (HHT2). Also called: Telangiectasia, hereditary hemorrhagic, type II; ACVRL1-Related Hereditary Hemorrhagic Telangiectasia. Identifiers: Orphanet 774, MedGen C1838163, MONDO:0010880, OMIM 600376. Disease mechanism: loss of function.
ACVRL1-related disorder. Also called: ACVRL1-related disorders; ACVRL1-related condition.

Submissions (5):

Labcorp Genetics (formerly Invitae), Labcorp
Classification: Pathogenic for Telangiectasia, hereditary hemorrhagic, type 2. Last evaluated: 2025-04-09. Review status: criteria provided, single submitter. Criteria: Invitae Variant Classification Sherloc (09022015). Collection method: clinical testing. Allele origin: germline.
Comment: This sequence change creates a premature translational stop signal (p.Gln357*) in the ACVRL1 gene. It is expected to result in an absent or disrupted protein product. Loss-of-function variants in ACVRL1 are known to be pathogenic (PMID: 15879500). This variant is not present in population databases (gnomAD no frequency). This premature translational stop signal has been observed in individual(s) with hereditary hemorrhagic telangiectasia (PMID: 15712271). ClinVar contains an entry for this variant (Variation ID: 1074703). For these reasons, this variant has been classified as Pathogenic.

Victorian Clinical Genetics Services, Murdoch Childrens Research Institute
Classification: Pathogenic for Telangiectasia, hereditary hemorrhagic, type 2. Last evaluated: 2024-10-25. Review status: criteria provided, single submitter. Criteria: ACMG Guidelines, 2015. Collection method: clinical testing. Allele origin: germline. Affected: yes.
Comment: This variant is classified as Pathogenic. Evidence in support of pathogenic classification: Variant is predicted to cause nonsense-mediated decay (NMD) and loss of protein (premature termination codon is located at least 54 nucleotides upstream of the final exon-exon junction); Variant is absent from gnomAD (both v2 and v3); This variant has moderate previous evidence of pathogenicity in unrelated individuals. This variant has previously been reported in unrelated probands with hereditary haemorrhagic telangiectasia type 2 and has been classified as pathogenic by clinical laboratories in ClinVar (VCGS, PMID: 15712271, 34872578); Other NMD-predicted variants comparable to the one identified in this case have very strong previous evidence for pathogenicity and are commonly reported in families with hereditary haemorrhagic telangiectasia type 2 (ClinVar; PMID: 15879500). Additional information: This variant is heterozygous; This gene is associated with autosomal dominant disease; Dominant negative and loss of function are known mechanisms of disease in this gene and are associated with hereditary haemorrhagic telangiectasia type 2 (MIM#600376) (PMID: 16282348, 26176610); Inheritance information for this variant is not currently available in this individual.

Blueprint Genetics
Classification: Pathogenic for ACVRL1-related disorders. Last evaluated: 2024-09-20. Review status: criteria provided, single submitter. Criteria: ACMG Guidelines, 2015. Collection method: clinical testing. Allele origin: germline. Affected: yes. Observed: 4 variant alleles.

PreventionGenetics, part of Exact Sciences
Classification: Pathogenic for ACVRL1-related condition. Last evaluated: 2024-02-08. Review status: no assertion criteria provided. Collection method: clinical testing. Allele origin: germline. Not counted in ClinVar's aggregate classification.
Comment: The ACVRL1 c.1069C>T variant is predicted to result in premature protein termination (p.Gln357*). This variant has been reported in individuals with hereditary hemorrhagic telangiectasia (see for example - Abdalla et al. 2005. PubMed ID: 15712271; Kitayama et al. 2021. PubMed ID: 34872578). This variant has not been reported in a large population database, indicating this variant is rare. Nonsense variants in ACVRL1 are expected to be pathogenic. This variant is interpreted as pathogenic.

deCODE genetics, Amgen
Classification: Pathogenic for Telangiectasia, hereditary hemorrhagic, type 2. Last evaluated: 2023-07-21. Review status: no assertion criteria provided. Collection method: research. Allele origin: germline. Affected: yes. Observed: 1 variant allele. Not counted in ClinVar's aggregate classification.
Comment: The variant NM_000020.3:c.1069C>T (chr12:51916056) in ACVRL1 was detected in 1 heterozygote out of 58K WGS Icelanders (MAF= 0,001%). This variant has been reported in ClinVar previously as pathogenic. Based on ACMG criteria (PVS1, PM2, PP5) this variant classifies as pathogenic.

Literature cited by the submitters: PubMed 15879500 (cited by Labcorp Genetics (formerly Invitae), Labcorp and Victorian Clinical Genetics Services, Murdoch Childrens Research Institute); PubMed 15712271 (cited by Labcorp Genetics (formerly Invitae), Labcorp and Victorian Clinical Genetics Services, Murdoch Childrens Research Institute); PubMed 34872578 (cited by Victorian Clinical Genetics Services, Murdoch Childrens Research Institute); PubMed 16282348 (cited by Victorian Clinical Genetics Services, Murdoch Childrens Research Institute); PubMed 26176610 (cited by Victorian Clinical Genetics Services, Murdoch Childrens Research Institute).